The following is an entry in ClinVar:

ClinVar aggregate classification (germline): Uncertain significance (1 of 4 stars; one submission).

Conditions:
Cardiovascular phenotype. Identifiers: MedGen CN230736.

Submission:

Ambry Genetics
Classification: Uncertain significance for Cardiovascular phenotype. Last evaluated: 2022-10-27. Review status: criteria provided, single submitter. Criteria: Ambry Variant Classification Scheme 2023. Collection method: clinical testing. Allele origin: germline.
Comment: The p.A848S variant (also known as c.2542G>T), located in coding exon 25 of the MYBPC3 gene, results from a G to T substitution at nucleotide position 2542. The alanine at codon 848 is replaced by serine, an amino acid with similar properties. This amino acid position is conserved. In addition, the in silico prediction for this alteration is inconclusive. Since supporting evidence is limited at this time, the clinical significance of this alteration remains unclear.

NM_000256.3(MYBPC3):c.2542G>T (p.Ala848Ser)

Gene: MYBPC3 (myosin binding protein C3; minus strand). Cytogenetic location: 11p11.2.
Variant type: single nucleotide variant.
Coding change: c.2542G>T on transcript NM_000256.3 (MANE Select); coding-DNA position 2542, G replaced by T.
Protein change: p.Ala848Ser; replaces alanine 848 with serine.
Molecular consequence: missense variant.
Genome position (GRCh38, 1-based): chr11:47,337,451, C>A on the plus strand (G>T on the coding strand, the complement: MYBPC3 is on the minus strand). VCF-style: chr11-47337451-C-A. GRCh37 (hg19) VCF-style: chr11-47359002-C-A.
Other names: short protein forms A848S.
Identifiers: ClinVar variation 1792850 (VCV001792850.2), dbSNP rs747407752, ClinGen allele CA380318161.
Genomic context (GRCh38, chr11:47,337,451, plus strand): 5'-CGATAGGCATGAAGGGCTGGGAGGCAGGGCTGGGCCTGGACATGCCGATGGCGTTGACCG[C>A]GTAGACGCGCATCTCGTACACCACGCCCTCGATCATGCGCCGCGCTTCATGACTCAGCTC-3'
Protein context (NP_000247.2, residues 838-858): EGVVYEMRVY[Ala848Ser]VNAIGMSRPS